The following is an entry in ClinVar:

NM_020975.6(RET):c.*1046G>C

Gene: RET (ret proto-oncogene; plus strand). Cytogenetic location: 10q11.21.
Variant type: single nucleotide variant.
Coding change: c.*1046G>C on transcript NM_020975.6 (MANE Select); 1046 bases downstream of the stop codon, G replaced by C.
Molecular consequence: 3 prime UTR variant.
Genome position (GRCh38, 1-based): chr10:43,129,315, G>C. VCF-style: chr10-43129315-G-C. GRCh37 (hg19) VCF-style: chr10-43624763-G-C.
Identifiers: ClinVar variation 878517 (VCV000878517.36), dbSNP rs143948954, ClinGen allele CA206268406.

ClinVar aggregate classification (germline): Conflicting classifications of pathogenicity. Review status: criteria provided, conflicting classifications (1 of 4 stars). 5 submissions from 2 submitters: Uncertain significance (1); Benign (4). Last evaluated 2023-03-01.

Conditions:
Hirschsprung disease, susceptibility to, 1 (HSCR1). Also called: RET-Related Hirschsprung Disease. Identifiers: Orphanet 388, MedGen C3888239, MONDO:0007723, OMIM 142623.
Pheochromocytoma. Also called: MAX-Related Hereditary Paraganglioma-Pheochromocytoma Syndrome. Identifiers: Orphanet 29072, MedGen C0031511, MONDO:0008233, OMIM 171300, HP:0002666.
Multiple endocrine neoplasia. Identifiers: Orphanet 276161, MedGen C0027662, MONDO:0017169.
Renal hypodysplasia/aplasia 1 (RHDA1). Also called: HEREDITARY RENAL APLASIA; RENAL APLASIA. Identifiers: Orphanet 411709, MedGen C1619700, MONDO:0024519, OMIM 191830.

Allele frequency attached by ClinVar (database versions not stated): TOPMed 0.00261; 1000 Genomes Project 0.00280; 1000 Genomes Project 30x 0.00312.
gnomAD v4.1: 669 of 233,716 alleles (0.29%); highest among the groups gnomAD compares: South Asian, 1.4%; 11 homozygotes.

Submissions (5):

CeGaT Center for Human Genetics Tuebingen
Classification: Benign. Last evaluated: 2023-03-01. Review status: criteria provided, single submitter. Criteria: CeGaT Center For Human Genetics Tuebingen Variant Classification Criteria Version 2. Collection method: clinical testing. Allele origin: germline. Affected: yes. Observed: 5 variant alleles.
Comment: RET: BS1, BS2

Illumina Laboratory Services, Illumina
Classification: Benign for Hirschsprung disease, susceptibility to, 1. Last evaluated: 2018-05-11. Review status: criteria provided, single submitter. Criteria: ICSL Variant Classification Criteria 13 December 2019. Collection method: clinical testing. Allele origin: germline.
Comment: This variant was observed as part of a predisposition screen in an ostensibly healthy population. A literature search was performed for the gene, cDNA change, and amino acid change (where applicable). Publications were found based on this search. The evidence from the literature, in combination with allele frequency data from public databases where available, was sufficient to rule this variant out of causing disease. Therefore, this variant is classified as benign.

Illumina Laboratory Services, Illumina
Classification: Benign for Pheochromocytoma. Last evaluated: 2018-05-11. Review status: criteria provided, single submitter. Criteria: ICSL Variant Classification Criteria 13 December 2019. Collection method: clinical testing. Allele origin: germline.
Comment: This variant was observed as part of a predisposition screen in an ostensibly healthy population. A literature search was performed for the gene, cDNA change, and amino acid change (where applicable). No publications were found based on this search. Allele frequency data from public databases was too high to be consistent with this variant causing disease. Therefore, this variant is classified as benign.

Illumina Laboratory Services, Illumina
Classification: Benign for Multiple endocrine neoplasia. Last evaluated: 2018-05-11. Review status: criteria provided, single submitter. Criteria: ICSL Variant Classification Criteria 13 December 2019. Collection method: clinical testing. Allele origin: germline.
Comment: the same text as in the submission from Illumina Laboratory Services, Illumina above.

Illumina Laboratory Services, Illumina
Classification: Uncertain significance for Renal hypodysplasia/aplasia 1. Last evaluated: 2018-05-11. Review status: criteria provided, single submitter. Criteria: ICSL Variant Classification Criteria 13 December 2019. Collection method: clinical testing. Allele origin: germline.

Literature cited by the submitters: PubMed 24897126 (cited by Illumina Laboratory Services, Illumina).